The following is an entry in ClinVar:

ClinVar aggregate classification (germline): Uncertain significance (1 of 4 stars; one submission).

Allele frequency attached by ClinVar (database versions not stated): gnomAD exomes 0.00001.

Submission:

GeneDx
Classification: Uncertain significance. Last evaluated: 2022-06-10. Review status: criteria provided, single submitter. Criteria: GeneDx Variant Classification Process June 2021. Collection method: clinical testing. Allele origin: germline. Affected: yes.
Comment: Not observed at significant frequency in large population cohorts (gnomAD); In silico analysis supports that this missense variant has a deleterious effect on protein structure/function; Has not been previously published as pathogenic or benign to our knowledge

NM_002816.5(PSMD12):c.469G>C (p.Gly157Arg)

Gene: PSMD12 (proteasome 26S subunit, non-ATPase 12; minus strand). Cytogenetic location: 17q24.2.
Variant type: single nucleotide variant.
Coding change: c.469G>C on transcript NM_002816.5 (MANE Select); coding-DNA position 469, G replaced by C.
Protein change: p.Gly157Arg; replaces glycine 157 with arginine.
Molecular consequence: missense variant.
Genome position (GRCh38, 1-based): chr17:67,348,591, C>G on the plus strand (G>C on the coding strand, the complement: PSMD12 is on the minus strand). VCF-style: chr17-67348591-C-G. GRCh37 (hg19) VCF-style: chr17-65344707-C-G.
Other names: c.292G>C, p.Gly98Arg (NM_001316341.2); c.409G>C, p.Gly137Arg (NM_174871.4); short protein forms G137R, G157R, G98R.
Identifiers: ClinVar variation 1803477 (VCV001803477.1), dbSNP rs2041990005, ClinGen allele CA400805239.
Genomic context (GRCh38, chr17:67,348,591, plus strand): 5'-CTAAAATGCAATACCTTACCTGTAACTCCTGTAAAATGGAGGCTGCCTCTTTCACATCAC[C>G]ATTTTGTTCTTTTATAGTTGCTAATGTTTTAGTCAGTCGCGCACGCTCAATTTCAACATA-3'
Protein context (NP_002807.1, residues 147-167): KTLATIKEQN[Gly157Arg]DVKEAASILQ